The following is an entry in ClinVar:

ClinVar aggregate classification (germline): Uncertain significance (1 of 4 stars; one submission).

Allele frequency attached by ClinVar (database versions not stated): TOPMed below 0.00001.

Submission:

Labcorp Genetics (formerly Invitae), Labcorp
Classification: Uncertain significance. Last evaluated: 2019-11-28. Review status: criteria provided, single submitter. Criteria: Invitae Variant Classification Sherloc (09022015). Collection method: clinical testing. Allele origin: germline.
Comment: This variant is not present in population databases (ExAC no frequency). In summary, the available evidence is currently insufficient to determine the role of this variant in disease. Therefore, it has been classified as a Variant of Uncertain Significance. Experimental studies and prediction algorithms are not available or were not evaluated, and the functional significance of this variant is currently unknown. This variant has not been reported in the literature in individuals with DHX38-related conditions. This variant, c.425_427del, is a complex sequence change that results in the deletion of 2 and insertion of 1 amino acid(s) in the DHX38 protein (p.His142_Gly143delinsArg).

NM_014003.4(DHX38):c.425_427del (p.His142_Gly143delinsArg)

Gene: DHX38 (DEAH-box helicase 38; plus strand). Cytogenetic location: 16q22.2.
Variant type: Deletion.
Coding change: c.425_427del on transcript NM_014003.4 (MANE Select); coding-DNA positions 425 to 427, 3 bases deleted (ATG; older notation c.425_427delATG).
Protein change: p.His142_Gly143delinsArg.
Molecular consequence: inframe indel.
Genome position (GRCh38, 1-based): chr16:72,096,923-72,096,925, ATG deleted. VCF-style (leftmost placement, unchanged base first): chr16-72096922-CATG-C. GRCh37 (hg19) VCF-style: chr16-72130821-CATG-C.
Identifiers: ClinVar variation 862435 (VCV000862435.9), dbSNP rs2042028826, ClinGen allele CA916083503.
Genomic context (GRCh38, chr16:72,096,922, plus strand): 5'-GGTGGTGTGAGCGAAGAGTTTTGGGAACGCAGTCGGCAGAGAGAGCGGGAGCGGCGGGAA[CATG>C]GTGTCTATGCCTCGTCCAAAGAAGAAAAGGATTGGAAGAAGGAGAAATCGCGGGATCGAG-3'